The following is an entry in ClinVar:

ClinVar aggregate classification (germline): Uncertain significance (1 of 4 stars; one submission).

Allele frequency attached by ClinVar (database versions not stated): gnomAD exomes below 0.00001; TOPMed below 0.00001.

Submission:

GeneDx
Classification: Uncertain significance. Last evaluated: 2020-01-28. Review status: criteria provided, single submitter. Criteria: GeneDx Variant Classification Process June 2021. Collection method: clinical testing. Allele origin: germline. Affected: yes.
Comment: Not observed at a significant frequency in large population cohorts (Lek et al., 2016); In silico analysis, which includes protein predictors and evolutionary conservation, supports a deleterious effect; Has not been previously published as pathogenic or benign to our knowledge

NM_018896.5(CACNA1G):c.304C>T (p.Arg102Trp)

Gene: CACNA1G (calcium voltage-gated channel subunit alpha1 G; plus strand). Cytogenetic location: 17q21.33.
Variant type: single nucleotide variant.
Coding change: c.304C>T on transcript NM_018896.5 (MANE Select); coding-DNA position 304, C replaced by T.
Protein change: p.Arg102Trp; replaces arginine 102 with tryptophan.
Molecular consequence: missense variant. On other transcripts: non-coding transcript variant (5).
Genome position (GRCh38, 1-based): chr17:50,568,931, C>T. VCF-style: chr17-50568931-C-T. GRCh37 (hg19) VCF-style: chr17-48646292-C-T.
Other names: c.304C>T, p.Arg102Trp (NM_001256324.2, NM_001256325.2, NM_001256326.2 and 24 more transcripts); short protein forms R102W.
Identifiers: ClinVar variation 1315060 (VCV001315060.2), dbSNP rs963107685, ClinGen allele CA291589298.